The following is an entry in ClinVar:

NM_004320.6(ATP2A1):c.1808C>T (p.Pro603Leu)

Gene: ATP2A1 (ATPase sarcoplasmic/endoplasmic reticulum Ca2+ transporting 1; plus strand). Cytogenetic location: 16p11.2.
Variant type: single nucleotide variant.
Coding change: c.1808C>T on transcript NM_004320.6 (MANE Select); coding-DNA position 1808, C replaced by T.
Protein change: p.Pro603Leu; replaces proline 603 with leucine.
Molecular consequence: missense variant.
Genome position (GRCh38, 1-based): chr16:28,900,624, C>T. VCF-style: chr16-28900624-C-T. GRCh37 (hg19) VCF-style: chr16-28911945-C-T.
Other names: c.1433C>T, p.Pro478Leu (NM_001286075.2); c.1808C>T, p.Pro603Leu (NM_173201.5); short protein forms P478L, P603L.
Identifiers: ClinVar variation 1020847 (VCV001020847.8), dbSNP rs371822329, ClinGen allele CA7987090.

ClinVar aggregate classification (germline): Uncertain significance (1 of 4 stars; one submission).

Conditions:
Brody myopathy. Also called: BRODY DISEASE. Identifiers: Orphanet 53347, MedGen C1832918, MONDO:0010977, OMIM 601003.

Allele frequency attached by ClinVar (database versions not stated): gnomAD exomes below 0.00001; ExAC 0.00001; TOPMed 0.00002; ESP Exome Variant Server 0.00008.
gnomAD v4.1: 5 of 1,591,710 alleles (0.00031%); highest among the groups gnomAD compares: Admixed American, 0.0017%; no homozygotes.

Submission:

Labcorp Genetics (formerly Invitae), Labcorp
Classification: Uncertain significance for Brody myopathy. Last evaluated: 2022-09-13. Review status: criteria provided, single submitter. Criteria: Invitae Variant Classification Sherloc (09022015). Collection method: clinical testing. Allele origin: germline.
Comment: This variant has not been reported in the literature in individuals affected with ATP2A1-related conditions. In summary, the available evidence is currently insufficient to determine the role of this variant in disease. Therefore, it has been classified as a Variant of Uncertain Significance. Algorithms developed to predict the effect of missense changes on protein structure and function are either unavailable or do not agree on the potential impact of this missense change (SIFT: "Deleterious"; PolyPhen-2: "Probably Damaging"; Align-GVGD: "Class C0"). ClinVar contains an entry for this variant (Variation ID: 1020847). The frequency data for this variant in the population databases is considered unreliable, as metrics indicate poor data quality at this position in the gnomAD database. This sequence change replaces proline, which is neutral and non-polar, with leucine, which is neutral and non-polar, at codon 603 of the ATP2A1 protein (p.Pro603Leu).